The following is an entry in ClinVar:

NM_005236.3(ERCC4):c.2674G>A (p.Ala892Thr)

Gene: ERCC4 (ERCC excision repair 4, endonuclease catalytic subunit; plus strand). Cytogenetic location: 16p13.12.
Variant type: single nucleotide variant.
Coding change: c.2674G>A on transcript NM_005236.3 (MANE Select); coding-DNA position 2674, G replaced by A.
Protein change: p.Ala892Thr; replaces alanine 892 with threonine.
Molecular consequence: missense variant.
Genome position (GRCh38, 1-based): chr16:13,948,270, G>A. VCF-style: chr16-13948270-G-A. GRCh37 (hg19) VCF-style: chr16-14042127-G-A.
Other names: short protein forms A892T.
Identifiers: ClinVar variation 1392130 (VCV001392130.6), dbSNP rs2141621448, ClinGen allele CA394824861.

ClinVar aggregate classification (germline): Uncertain significance (1 of 4 stars; one submission).

Conditions:
Xeroderma pigmentosum, group F (XPF). Also called: XERODERMA PIGMENTOSUM VI; XP, GROUP F; XERODERMA PIGMENTOSUM, COMPLEMENTATION GROUP F; ERCC4-Related Xeroderma Pigmentosum; XERODERMA PIGMENTOSUM, TYPE F; Xeroderma pigmentosum, type 6. Identifiers: MedGen C0268140, MONDO:0010215, OMIM 278760.
Cockayne syndrome. Identifiers: Orphanet 191, MedGen C0009207, MONDO:0016006.
Fanconi anemia complementation group Q. Identifiers: Orphanet 84, MedGen C3808988, MONDO:0014108, OMIM 615272.

Submission:

Labcorp Genetics (formerly Invitae), Labcorp
Classification: Uncertain significance for Fanconi anemia complementation group Q; Xeroderma pigmentosum, group F; Cockayne syndrome. Last evaluated: 2021-08-22. Review status: criteria provided, single submitter. Criteria: Invitae Variant Classification Sherloc (09022015). Collection method: clinical testing. Allele origin: germline.
Comment: In summary, the available evidence is currently insufficient to determine the role of this variant in disease. Therefore, it has been classified as a Variant of Uncertain Significance. Algorithms developed to predict the effect of missense changes on protein structure and function (SIFT, PolyPhen-2, Align-GVGD) all suggest that this variant is likely to be tolerated. This variant has not been reported in the literature in individuals affected with ERCC4-related conditions. This variant is not present in population databases (ExAC no frequency). This sequence change replaces alanine with threonine at codon 892 of the ERCC4 protein (p.Ala892Thr). The alanine residue is weakly conserved and there is a small physicochemical difference between alanine and threonine.